The following is an entry in ClinVar:

NM_001103.4(ACTN2):c.571C>T (p.His191Tyr)

Gene: ACTN2 (actinin alpha 2; plus strand). Cytogenetic location: 1q43.
Variant type: single nucleotide variant.
Coding change: c.571C>T on transcript NM_001103.4 (MANE Select); coding-DNA position 571, C replaced by T.
Protein change: p.His191Tyr; replaces histidine 191 with tyrosine.
Molecular consequence: missense variant. On other transcripts: non-coding transcript variant (1).
Genome position (GRCh38, 1-based): chr1:236,727,712, C>T. VCF-style: chr1-236727712-C-T. GRCh37 (hg19) VCF-style: chr1-236891012-C-T.
Other names: c.571C>T, p.His191Tyr (NM_001278343.2); short protein forms H191Y.
Identifiers: ClinVar variation 3761017 (VCV003761017.2).
Genomic context (GRCh38, chr1:236,727,712, plus strand): 5'-TCCTGTTCTTCTCGACGGCTGTGAAGCTGGAAAGATGGCCTTGGACTCTGTGCCCTCATC[C>T]ACCGACACCGGCCTGACCTCATTGACTACTCAAAGCTTAACAAGGTTATTCTGGGTGGCC-3'
Protein context (NP_001094.1, residues 181-201): KDGLGLCALI[His191Tyr]RHRPDLIDYS

ClinVar aggregate classification (germline): Uncertain significance (1 of 4 stars; one submission).

Conditions:
Dilated cardiomyopathy 1AA (CMD1AA). Also called: Cardiomyopathy, dilated, 1AA, with or without LVNC; CARDIOMYOPATHY, DILATED, 1AA, WITH OR WITHOUT LEFT VENTRICULAR NONCOMPACTION; CARDIOMYOPATHY, FAMILIAL HYPERTROPHIC, 23, WITH OR WITHOUT LEFT VENTRICULAR NONCOMPACTION. Identifiers: Orphanet 154, MedGen C2677338, MONDO:0012808, OMIM 612158.
Primary familial hypertrophic cardiomyopathy (HCM). Identifiers: Orphanet 99739, MedGen C0949658, MeSH D024741, MONDO:0024573. Inheritance: Various modes of inheritance.

gnomAD v4.1: 2 of 1,614,170 alleles (0.00012%); highest among the groups gnomAD compares: Admixed American, 0.0017%; no homozygotes.

Submission:

Labcorp Genetics (formerly Invitae), Labcorp
Classification: Uncertain significance for Primary familial hypertrophic cardiomyopathy; Dilated cardiomyopathy 1AA. Last evaluated: 2025-01-28. Review status: criteria provided, single submitter. Criteria: Invitae Variant Classification Sherloc (09022015). Collection method: clinical testing. Allele origin: germline.
Comment: This sequence change replaces histidine, which is basic and polar, with tyrosine, which is neutral and polar, at codon 191 of the ACTN2 protein (p.His191Tyr). This variant is present in population databases (no rsID available, gnomAD 0.003%). This variant has not been reported in the literature in individuals affected with ACTN2-related conditions. Invitae Evidence Modeling of protein sequence and biophysical properties (such as structural, functional, and spatial information, amino acid conservation, physicochemical variation, residue mobility, and thermodynamic stability) has been performed for this missense variant. However, the output from this modeling did not meet the statistical confidence thresholds required to predict the impact of this variant on ACTN2 protein function. In summary, the available evidence is currently insufficient to determine the role of this variant in disease. Therefore, it has been classified as a Variant of Uncertain Significance.